The following is an entry in ClinVar:

NM_003560.4(PLA2G6):c.911T>C (p.Leu304Pro)

Gene: PLA2G6 (phospholipase A2 group VI; minus strand). Cytogenetic location: 22q13.1.
Variant type: single nucleotide variant.
Coding change: c.911T>C on transcript NM_003560.4 (MANE Select); coding-DNA position 911, T replaced by C.
Protein change: p.Leu304Pro; replaces leucine 304 with proline.
Molecular consequence: missense variant.
Genome position (GRCh38, 1-based): chr22:38,132,997, A>G on the plus strand (T>C on the coding strand, the complement: PLA2G6 is on the minus strand). VCF-style: chr22-38132997-A-G. GRCh37 (hg19) VCF-style: chr22-38529004-A-G.
Other names: c.911T>C, p.Leu304Pro (NM_001004426.3, NM_001199562.3, NM_001349864.2 and 2 more transcripts); c.377T>C, p.Leu126Pro (NM_001349867.2, NM_001349869.2); c.233T>C, p.Leu78Pro (NM_001349868.2); short protein forms L126P, L304P, L78P.
Identifiers: ClinVar variation 2431904 (VCV002431904.1), dbSNP rs2088318263, ClinGen allele CA411530945.

ClinVar aggregate classification (germline): Uncertain significance (1 of 4 stars; one submission).

Conditions:
Infantile neuroaxonal dystrophy (NBIA2A). Also called: Infantile neuroaxonal dystrophy 1; NEURODEGENERATION WITH BRAIN IRON ACCUMULATION 2A; SEITELBERGER DISEASE. Identifiers: Orphanet 35069, MedGen C0270724, MONDO:0024457, OMIM 256600.

Allele frequency attached by ClinVar (database versions not stated): gnomAD exomes below 0.00001; TOPMed below 0.00001.
gnomAD v4.1: 1 of 1,566,032 alleles (0.000064%); highest among the groups gnomAD compares: Non-Finnish European, 0.000086%; no homozygotes.

Submission:

Laboratorio de Genetica e Diagnostico Molecular, Hospital Israelita Albert Einstein
Classification: Uncertain significance for Infantile neuroaxonal dystrophy. Last evaluated: 2022-07-19. Review status: criteria provided, single submitter. Criteria: ACMG Guidelines, 2015. Collection method: clinical testing. Allele origin: germline. Affected: yes. Observed: 1 variant allele.
Comment: ACMG classification criteria: PM2 moderated, PP3 supporting